The following is an entry in ClinVar:

NM_020822.3(KCNT1):c.760-19G>A

Gene: KCNT1 (potassium sodium-activated channel subfamily T member 1; plus strand). Cytogenetic location: 9q34.3.
Variant type: single nucleotide variant.
Coding change: c.760-19G>A on transcript NM_020822.3 (MANE Select); 19 bases into the intron before coding-DNA position 760, G replaced by A.
Molecular consequence: intron variant.
Genome position (GRCh38, 1-based): chr9:135,758,395, G>A. VCF-style: chr9-135758395-G-A. GRCh37 (hg19) VCF-style: chr9-138650241-G-A.
Other names: c.616-19G>A (NM_001272003.2).
Identifiers: ClinVar variation 384640 (VCV000384640.11), dbSNP rs375929015, ClinGen allele CA5326648.

ClinVar aggregate classification (germline): Benign/Likely benign. Review status: criteria provided, multiple submitters, no conflicts (2 of 4 stars). 4 submissions from 3 submitters: Benign (3); Likely benign (1). Last evaluated 2026-02-02.

Conditions:
Developmental and epileptic encephalopathy, 14 (DEE14). Also called: Early infantile epileptic encephalopathy 14. Identifiers: Orphanet 293181, MedGen C3554195, MONDO:0013989, OMIM 614959.
Autosomal dominant nocturnal frontal lobe epilepsy 5. Also called: KCNT1-Related Epilepsy; CILIARY DYSKINESIA, PRIMARY, 28, WITHOUT SITUS INVERSUS; CILIARY DYSKINESIA, PRIMARY, 28, WITH SITUS INVERSUS; Epilepsy, nocturnal frontal lobe, 5. Identifiers: Orphanet 98784, MedGen C3554306, MONDO:0014002, OMIM 615005.

Allele frequency attached by ClinVar (database versions not stated): gnomAD exomes 0.00003 and 0.00013; ExAC 0.00018; ESP Exome Variant Server 0.00038; gnomAD 0.00040 and 0.00043; TOPMed 0.00044.
gnomAD v4.1: 111 of 1,598,910 alleles (0.0069%); highest among the groups gnomAD compares: African/African-American, 0.13%; no homozygotes.

Submissions (4):

Labcorp Genetics (formerly Invitae), Labcorp
Classification: Benign for Autosomal dominant nocturnal frontal lobe epilepsy 5; Developmental and epileptic encephalopathy, 14. Last evaluated: 2026-02-02. Review status: criteria provided, single submitter. Criteria: Invitae Variant Classification Sherloc (09022015). Collection method: clinical testing. Allele origin: germline.

Genome-Nilou Lab
Classification: Benign for Developmental and epileptic encephalopathy, 14. Last evaluated: 2022-03-15. Review status: criteria provided, single submitter. Criteria: ACMG Guidelines, 2015. Collection method: clinical testing. Allele origin: germline. Affected: no.

Genome-Nilou Lab
Classification: Benign for Autosomal dominant nocturnal frontal lobe epilepsy 5. Last evaluated: 2022-03-15. Review status: criteria provided, single submitter. Criteria: ACMG Guidelines, 2015. Collection method: clinical testing. Allele origin: germline. Affected: no.

GeneDx
Classification: Likely benign. Last evaluated: 2018-01-17. Review status: criteria provided, single submitter. Criteria: GeneDx Variant Classification (06012015). Collection method: clinical testing. Allele origin: germline. Affected: yes.
Comment: This variant is considered likely benign or benign based on one or more of the following criteria: it is a conservative change, it occurs at a poorly conserved position in the protein, it is predicted to be benign by multiple in silico algorithms, and/or has population frequency not consistent with disease.